The following is an entry in ClinVar:

ClinVar aggregate classification (germline): Likely benign (1 of 4 stars; one submission).

Allele frequency attached by ClinVar (database versions not stated): ExAC 0.00076; TOPMed 0.00126; gnomAD 0.00137; ESP Exome Variant Server 0.00153; 1000 Genomes Project 0.00180; 1000 Genomes Project 30x 0.00203.
gnomAD v4.1: 445 of 1,552,242 alleles (0.029%); highest among the groups gnomAD compares: African/African-American, 0.49%; no homozygotes.

Submission:

CeGaT Center for Human Genetics Tuebingen
Classification: Likely benign. Last evaluated: 2022-06-01. Review status: criteria provided, single submitter. Criteria: CeGaT Center For Human Genetics Tuebingen Variant Classification Criteria Version 2. Collection method: clinical testing. Allele origin: germline. Affected: yes. Observed: 1 variant allele.
Comment: NWD2: BP4, BP7

NM_001144990.2(NWD2):c.1911C>T (p.Thr637=)

Gene: NWD2 (NACHT and WD repeat domain containing 2; plus strand). Cytogenetic location: 4p14.
Variant type: single nucleotide variant.
Coding change: c.1911C>T on transcript NM_001144990.2 (MANE Select); coding-DNA position 1911, C replaced by T.
Protein change: p.Thr637=; no amino-acid change (threonine 637 retained).
Molecular consequence: synonymous variant.
Genome position (GRCh38, 1-based): chr4:37,443,899, C>T. VCF-style: chr4-37443899-C-T. GRCh37 (hg19) VCF-style: chr4-37445521-C-T.
Identifiers: ClinVar variation 2654712 (VCV002654712.24), dbSNP rs73133791, ClinGen allele CA2885908.
Genomic context (GRCh38, chr4:37,443,899, plus strand): 5'-CAGGGAGGTGAGGCACTGGAGATCTCACAAAGACGTCGATGAATCCTCCCTCTCTGTCAC[C>T]GTTCATGAAAGTATAGAGCAGTTATTCTGGTCCTTGGAGAAGAAGTGTGGTCAGAAACTG-3'
Protein context (NP_001138462.1, residues 627-647): KDVDESSLSV[Thr637=]VHESIEQLFW